The following is an entry in ClinVar:

NM_000051.4(ATM):c.7103C>G (p.Ala2368Gly)

Genes: ATM (ATM serine/threonine kinase; plus strand), C11orf65 (chromosome 11 open reading frame 65; minus strand). Cytogenetic location: 11q22.3.
Variant type: single nucleotide variant.
Coding change: c.7103C>G on transcript NM_000051.4 (MANE Select); coding-DNA position 7103, C replaced by G.
Protein change: p.Ala2368Gly; replaces alanine 2368 with glycine.
Molecular consequence: missense variant. On other transcripts: intron variant (2).
Genome position (GRCh38, 1-based): chr11:108,329,034, C>G. VCF-style: chr11-108329034-C-G. GRCh37 (hg19) VCF-style: chr11-108199761-C-G.
Other names: c.7103C>G, p.Ala2368Gly (NM_001351834.2); c.641-19963G>C (NM_001330368.2); c.*38+6186G>C (NM_001351110.2); short protein forms A2368G.
Identifiers: ClinVar variation 1425270 (VCV001425270.8), dbSNP rs1591150471, ClinGen allele CA382559403.

ClinVar aggregate classification (germline): Uncertain significance (1 of 4 stars; one submission).

Conditions:
Ataxia-telangiectasia syndrome (AT). Also called: Ataxia-telangiectasia; LOUIS-BAR SYNDROME; Ataxia-telangiectasia, complementation group D; AT, COMPLEMENTATION GROUP C; ATAXIA-TELANGIECTASIA, COMPLEMENTATION GROUP A; ATAXIA-TELANGIECTASIA, FRESNO VARIANT. Identifiers: Orphanet 100, MedGen C0004135, MONDO:0008840, OMIM 208900.

Allele frequency attached by ClinVar (database versions not stated): gnomAD exomes below 0.00001.
gnomAD v4.1: 1 of 1,613,894 alleles (0.000062%); highest among the groups gnomAD compares: Non-Finnish European, 0.000085%; no homozygotes.

Submission:

Labcorp Genetics (formerly Invitae), Labcorp
Classification: Uncertain significance for Ataxia-telangiectasia syndrome. Last evaluated: 2020-11-23. Review status: criteria provided, single submitter. Criteria: Invitae Variant Classification Sherloc (09022015). Collection method: clinical testing. Allele origin: germline.
Comment: In summary, the available evidence is currently insufficient to determine the role of this variant in disease. Therefore, it has been classified as a Variant of Uncertain Significance. Advanced modeling of protein sequence and biophysical properties (such as structural, functional, and spatial information, amino acid conservation, physicochemical variation, residue mobility, and thermodynamic stability) performed at Invitae indicates that this missense variant is not expected to disrupt ATM protein function. This variant has not been reported in the literature in individuals with ATM-related conditions. This variant is not present in population databases (ExAC no frequency). This sequence change replaces alanine with glycine at codon 2368 of the ATM protein (p.Ala2368Gly). The alanine residue is moderately conserved and there is a small physicochemical difference between alanine and glycine.